The following is an entry in ClinVar:

NM_181503.3(EXOSC8):c.316A>C (p.Ser106Arg)

Gene: EXOSC8 (exosome component 8; plus strand). Cytogenetic location: 13q13.3.
Variant type: single nucleotide variant.
Coding change: c.316A>C on transcript NM_181503.3 (MANE Select); coding-DNA position 316, A replaced by C.
Protein change: p.Ser106Arg; replaces serine 106 with arginine.
Molecular consequence: missense variant.
Genome position (GRCh38, 1-based): chr13:37,005,997, A>C. VCF-style: chr13-37005997-A-C. GRCh37 (hg19) VCF-style: chr13-37580134-A-C.
Other names: short protein forms S106R.
Identifiers: ClinVar variation 2023100 (VCV002023100.4), dbSNP rs2501608162, ClinGen allele CA387868596.
Genomic context (GRCh38, chr13:37,005,997, plus strand): 5'-CCACCCCTGTGTTCATCGAGATTCCGGTCTGGACCTCCTGGAGAAGAGGCCCAAGTGGCT[A>C]GCCAGTTCATTGCAGATGTCATTGAAAAGTAAGAGCACCATGATAAAATTTTATTACAAT-3'
Protein context (NP_852480.1, residues 96-116): GPPGEEAQVA[Ser106Arg]QFIADVIENS

ClinVar aggregate classification (germline): Uncertain significance (1 of 4 stars; one submission).

Submission:

Labcorp Genetics (formerly Invitae), Labcorp
Classification: Uncertain significance. Last evaluated: 2022-08-09. Review status: criteria provided, single submitter. Criteria: Invitae Variant Classification Sherloc (09022015). Collection method: clinical testing. Allele origin: germline.
Comment: In summary, the available evidence is currently insufficient to determine the role of this variant in disease. Therefore, it has been classified as a Variant of Uncertain Significance. Algorithms developed to predict the effect of missense changes on protein structure and function (SIFT, PolyPhen-2, Align-GVGD) all suggest that this variant is likely to be disruptive. This variant has not been reported in the literature in individuals affected with EXOSC8-related conditions. This variant is not present in population databases (gnomAD no frequency). This sequence change replaces serine, which is neutral and polar, with arginine, which is basic and polar, at codon 106 of the EXOSC8 protein (p.Ser106Arg).